The following is an entry in ClinVar:

ClinVar aggregate classification (germline): Pathogenic/Likely pathogenic. Review status: criteria provided, multiple submitters, no conflicts (2 of 4 stars). 4 submissions from 4 submitters: Pathogenic (1); Likely pathogenic (3). Last evaluated 2025-05-19.

Conditions:
Autosomal recessive Alport syndrome (ATS2). Also called: COL4A3-Related Nephropathy; Alport syndrome type 2; ALPORT SYNDROME 2, AUTOSOMAL RECESSIVE; COL4A4 Alport Syndrome and Thin Basement Membrane Nephropathy. Identifiers: Orphanet 63, Orphanet 88919, MedGen C4746745, MONDO:0008762, OMIM 203780.
Autosomal dominant Alport syndrome (ATS3A). Also called: Alport syndrome dominant type; Renal failure and sensorineural hearing loss; ALPORT SYNDROME 3A, AUTOSOMAL DOMINANT. Identifiers: Orphanet 63, Orphanet 88918, MedGen C5882663, MONDO:0007086, OMIM 104200.
COL4A3-related disorder. Also called: COL4A3-Related Disorders; COL4A3-related condition.

Allele frequency attached by ClinVar (database versions not stated): TOPMed 0.00001; gnomAD exomes 0.00003 and 0.00004; gnomAD 0.00004 and 0.00005; ExAC 0.00007.

Submissions (4):

MVZ Medizinische Genetik Mainz
Classification: Likely pathogenic for Autosomal dominant Alport syndrome. Last evaluated: 2025-05-19. Review status: criteria provided, single submitter. Criteria: UK Practice Guidelines For Variant Classification V4 01 2020. Collection method: clinical testing. Allele origin: germline. Inheritance: Autosomal dominant inheritance. Affected: yes. Observed: 1 variant allele.
Comment: ACMG Criteria: PVS1,PM2_SUP

Labcorp Genetics (formerly Invitae), Labcorp
Classification: Pathogenic. Last evaluated: 2023-02-13. Review status: criteria provided, single submitter. Criteria: Invitae Variant Classification Sherloc (09022015). Collection method: clinical testing. Allele origin: germline.
Comment: This variant is present in population databases (rs751677704, gnomAD 0.02%). This sequence change creates a premature translational stop signal (p.Gly665Alafs*82) in the COL4A3 gene. It is expected to result in an absent or disrupted protein product. Loss-of-function variants in COL4A3 are known to be pathogenic (PMID: 8956999, 24854265, 26809805, 27281700). This variant has not been reported in the literature in individuals affected with COL4A3-related conditions. For these reasons, this variant has been classified as Pathogenic. ClinVar contains an entry for this variant (Variation ID: 1451392).

MGZ Medical Genetics Center
Classification: Likely pathogenic for Autosomal recessive Alport syndrome. Last evaluated: 2022-01-17. Review status: criteria provided, single submitter. Criteria: ACMG Guidelines, 2015. Collection method: clinical testing. Allele origin: germline. Affected: yes. Observed: 1 variant allele.
Comment: ACMG criteria applied: PVS1, PM2_SUP

Blueprint Genetics
Classification: Likely pathogenic for COL4A3-related disorders. Last evaluated: 2019-06-21. Review status: criteria provided, single submitter. Criteria: ACMG Guidelines, 2015. Collection method: clinical testing. Allele origin: germline. Affected: yes. Observed: 2 variant alleles.

Literature cited by the submitters: PubMed 8956999 (cited by Labcorp Genetics (formerly Invitae), Labcorp); PubMed 24854265 (cited by Labcorp Genetics (formerly Invitae), Labcorp); PubMed 26809805 (cited by Labcorp Genetics (formerly Invitae), Labcorp); PubMed 27281700 (cited by Labcorp Genetics (formerly Invitae), Labcorp).

NM_000091.5(COL4A3):c.1992del (p.Gly665fs)

Genes: COL4A3 (collagen type IV alpha 3 chain; plus strand), MFF-DT (MFF divergent transcript; minus strand). Cytogenetic location: 2q36.3.
Variant type: Deletion.
Coding change: c.1992del on transcript NM_000091.5 (MANE Select); coding-DNA position 1992, one base deleted (T; older notation c.1992delT).
Protein change: p.Gly665fs; shifts the reading frame from glycine 665.
Molecular consequence: frameshift variant.
Genome position (GRCh38, 1-based): chr2:227,276,449, T deleted. VCF-style (leftmost placement, unchanged base first): chr2-227276448-CT-C. GRCh37 (hg19) VCF-style: chr2-228141164-CT-C.
Other names: short protein forms G665fs.
Identifiers: ClinVar variation 1451392 (VCV001451392.10), dbSNP rs751677704, ClinGen allele CA2146819.